The following is an entry in ClinVar:

ClinVar aggregate classification (germline): Uncertain significance (1 of 4 stars; one submission).

Allele frequency attached by ClinVar (database versions not stated): gnomAD 0.00001 and 0.00003; TOPMed 0.00001; 1000 Genomes Project 30x 0.00031; 1000 Genomes Project 0.00040.
gnomAD v4.1: 9 of 1,614,044 alleles (0.00056%); highest among the groups gnomAD compares: Admixed American, 0.013%; no homozygotes.

Submission:

Labcorp Genetics (formerly Invitae), Labcorp
Classification: Uncertain significance. Last evaluated: 2026-01-01. Review status: criteria provided, single submitter. Criteria: Invitae Variant Classification Sherloc (09022015). Collection method: clinical testing. Allele origin: germline.
Comment: This sequence change replaces threonine, which is neutral and polar, with isoleucine, which is neutral and non-polar, at codon 1328 of the DUOX2 protein (p.Thr1328Ile). This variant is present in population databases (rs564305753, gnomAD 0.009%). This variant has not been reported in the literature in individuals affected with DUOX2-related conditions. ClinVar contains an entry for this variant (Variation ID: 1021368). Invitae Evidence Modeling of protein sequence and biophysical properties (such as structural, functional, and spatial information, amino acid conservation, physicochemical variation, residue mobility, and thermodynamic stability) indicates that this missense variant is not expected to disrupt DUOX2 protein function with a negative predictive value of 80%. In summary, the available evidence is currently insufficient to determine the role of this variant in disease. Therefore, it has been classified as a Variant of Uncertain Significance.

NM_001363711.2(DUOX2):c.3983C>T (p.Thr1328Ile)

Gene: DUOX2 (dual oxidase 2; minus strand). Cytogenetic location: 15q21.1.
Variant type: single nucleotide variant.
Coding change: c.3983C>T on transcript NM_001363711.2 (MANE Select); coding-DNA position 3983, C replaced by T.
Protein change: p.Thr1328Ile; replaces threonine 1328 with isoleucine.
Molecular consequence: missense variant.
Genome position (GRCh38, 1-based): chr15:45,095,925, G>A on the plus strand (C>T on the coding strand, the complement: DUOX2 is on the minus strand). VCF-style: chr15-45095925-G-A. GRCh37 (hg19) VCF-style: chr15-45388123-G-A.
Other names: c.3983C>T, p.Thr1328Ile (NM_014080.5); short protein forms T1328I.
Identifiers: ClinVar variation 1021368 (VCV001021368.7), dbSNP rs564305753, ClinGen allele CA7537675.
Genomic context (GRCh38, chr15:45,095,925, plus strand): 5'-GAGTAGATCTCCCTGAGGCGAGTGGTCCAGGGCCCCACTGCCCGGATGTGCAGGCTGAGT[G>A]TGTCCTCATGGGGCGCGGAGGTCAGTGTGAAGGGGTGGTACTCGGTGGTCCCCAGAGCCA-3'
Protein context (NP_001350640.1, residues 1318-1338): FTLTSAPHED[Thr1328Ile]LSLHIRAVGP